The following is an entry in ClinVar:

ClinVar aggregate classification (germline): Uncertain significance (1 of 4 stars; one submission).

gnomAD v4.1: 1 of 1,614,128 alleles (0.000062%); highest among the groups gnomAD compares: African/African-American, 0.0013%; no homozygotes.

Submission:

Women's Health and Genetics/Laboratory Corporation of America, LabCorp
Classification: Uncertain significance. Last evaluated: 2025-04-04. Review status: criteria provided, single submitter. Criteria: LabCorp Variant Classification Summary - May 2015. Collection method: clinical testing. Allele origin: germline.
Comment: Variant summary: ADCY5 c.2256+3A>G alters a conserved nucleotide located close to a canonical splice site and therefore could affect mRNA splicing, leading to a significantly altered protein sequence. Several computational tools predict a significant impact on normal splicing: Two predict the variant abolishes a 5' splicing donor site. Two predict the variant weakens a 5' donor site. However, these predictions have yet to be confirmed by functional studies. The variant was absent in 251150 control chromosomes (gnomAD). The available data on variant occurrences in the general population are insufficient to allow any conclusion about variant significance. To our knowledge, no occurrence of c.2256+3A>G in individuals affected with Familial Dyskinesia With Facial Myokymia and no experimental evidence demonstrating its impact on protein function have been reported. No submitters have cited clinical-significance assessments for this variant to ClinVar. Based on the evidence outlined above, the variant was classified as uncertain significance.

NM_183357.3(ADCY5):c.2256+3A>G

Gene: ADCY5 (adenylate cyclase 5; minus strand). Cytogenetic location: 3q21.1.
Variant type: single nucleotide variant.
Coding change: c.2256+3A>G on transcript NM_183357.3 (MANE Select); 3 bases into the intron after coding-DNA position 2256, A replaced by G.
Molecular consequence: intron variant.
Genome position (GRCh38, 1-based): chr3:123,319,671, T>C on the plus strand (A>G on the coding strand, the complement: ADCY5 is on the minus strand). VCF-style: chr3-123319671-T-C. GRCh37 (hg19) VCF-style: chr3-123038518-T-C.
Other names: c.2256+3A>G (NM_001378259.1); c.1206+3A>G (NM_001199642.1).
Identifiers: ClinVar variation 3896467 (VCV003896467.2).